The following is an entry in ClinVar:

NM_000054.7(AVPR2):c.1055G>A (p.Gly352Asp)

Gene: AVPR2 (arginine vasopressin receptor 2; plus strand). Cytogenetic location: Xq28.
Variant type: single nucleotide variant.
Coding change: c.1055G>A on transcript NM_000054.7 (MANE Select); coding-DNA position 1055, G replaced by A.
Protein change: p.Gly352Asp; replaces glycine 352 with aspartic acid.
Molecular consequence: missense variant. On other transcripts: 3 prime UTR variant (1), non-coding transcript variant (1).
Genome position (GRCh38, 1-based): chrX:153,906,667, G>A. VCF-style: chrX-153906667-G-A. GRCh37 (hg19) VCF-style: chrX-153172121-G-A.
Other names: c.*231G>A (NM_001146151.3); short protein forms G352D.
Identifiers: ClinVar variation 368077 (VCV000368077.45), dbSNP rs146350208, ClinGen allele CA10555128.

ClinVar aggregate classification (germline): Benign/Likely benign. Review status: criteria provided, multiple submitters, no conflicts (2 of 4 stars). 9 submissions from 9 submitters: Benign (2); Likely benign (4). 3 of the submissions do not count toward it. Last evaluated 2026-01-15.

Conditions:
Diabetes insipidus, nephrogenic, X-linked. Also called: Nephrogenic Diabetes Insipidus, Type I. Identifiers: Orphanet 223, MedGen C1563705, MONDO:0010581, OMIM 304800.
Inborn genetic diseases. Identifiers: MedGen C0950123, MeSH D030342.

Allele frequency attached by ClinVar (database versions not stated): ESP Exome Variant Server 0.00038; gnomAD 0.00057 and 0.00060; gnomAD exomes 0.00058 and 0.00082; TOPMed 0.00059; ExAC 0.00069.
gnomAD v4.1: 960 of 1,209,505 alleles (0.079%); highest among the groups gnomAD compares: Middle Eastern, 0.11%; no homozygotes.

Submissions (9):

Labcorp Genetics (formerly Invitae), Labcorp
Classification: Likely benign. Last evaluated: 2026-01-15. Review status: criteria provided, single submitter. Criteria: Invitae Variant Classification Sherloc (09022015). Collection method: clinical testing. Allele origin: germline.

CeGaT Center for Human Genetics Tuebingen
Classification: Likely benign. Last evaluated: 2025-07-01. Review status: criteria provided, single submitter. Criteria: CeGaT Center For Human Genetics Tuebingen Variant Classification Criteria Version 2. Collection method: clinical testing. Allele origin: germline. Affected: yes. Observed: 4 variant alleles.
Comment: AVPR2: BS2

Ambry Genetics
Classification: Benign for Inborn genetic diseases. Last evaluated: 2022-02-28. Review status: criteria provided, single submitter. Criteria: Ambry Variant Classification Scheme 2023. Collection method: clinical testing. Allele origin: germline.

Dubai Health Genomic Medicine Center, Dubai Health
Classification: Benign. Last evaluated: 2020-03-19. Review status: criteria provided, single submitter. Criteria: ACMG Guidelines, 2015. Collection method: clinical testing. Allele origin: germline. Affected: yes.

Illumina Laboratory Services, Illumina
Classification: Likely benign for Diabetes insipidus, nephrogenic, X-linked. Last evaluated: 2017-04-27. Review status: criteria provided, single submitter. Criteria: ICSL Variant Classification Criteria 13 December 2019. Collection method: clinical testing. Allele origin: germline.
Comment: This variant was observed as part of a predisposition screen in an ostensibly healthy population. A literature search was performed for the gene, cDNA change, and amino acid change (where applicable). Publications were found based on this search. The evidence from the literature, in combination with allele frequency data from public databases where available, was sufficient to determine this variant is unlikely to cause disease. Therefore, this variant is classified as likely benign.

Breakthrough Genomics
Classification: Likely benign. Review status: criteria provided, single submitter. Criteria: ACMG Guidelines, 2015. Collection method: not provided. Allele origin: germline. Inheritance: X-linked inheritance. Affected: yes.

Clinical Genetics DNA and cytogenetics Diagnostics Lab, Erasmus MC, Erasmus Medical Center
Classification: Likely benign. Review status: no assertion criteria provided. Collection method: clinical testing. Allele origin: germline. Affected: yes. Study: VKGL Data-share Consensus. Not counted in ClinVar's aggregate classification.

Diagnostic Laboratory, Department of Genetics, University Medical Center Groningen
Classification: Benign. Review status: no assertion criteria provided. Collection method: clinical testing. Allele origin: germline. Affected: yes. Study: VKGL Data-share Consensus. Not counted in ClinVar's aggregate classification.

Genome Diagnostics Laboratory, University Medical Center Utrecht
Classification: Likely benign. Review status: no assertion criteria provided. Collection method: clinical testing. Allele origin: germline. Affected: yes. Study: VKGL Data-share Consensus. Not counted in ClinVar's aggregate classification.

Literature cited by the submitters: PubMed 10820167 (cited by Illumina Laboratory Services, Illumina); PubMed 18726898 (cited by Illumina Laboratory Services, Illumina).